The following is an entry in ClinVar:

ClinVar aggregate classification (germline): Likely pathogenic. Review status: criteria provided, multiple submitters, no conflicts (2 of 4 stars). 2 submissions from 2 submitters: Likely pathogenic (2). Last evaluated 2024-04-09.

Conditions:
Familial focal epilepsy with variable foci (FPEVF). Identifiers: Orphanet 98820, MedGen C1858477, MONDO:0020310.

Submissions (2):

GeneDx
Classification: Likely pathogenic. Last evaluated: 2024-04-09. Review status: criteria provided, single submitter. Criteria: GeneDx Variant Classification Process June 2021. Collection method: clinical testing. Allele origin: germline. Affected: yes.
Comment: Canonical splice site variant predicted to result in an in-frame loss of the adjacent exon in a gene for which loss of function is a known mechanism of disease; Not observed at significant frequency in large population cohorts (gnomAD); Has not been previously published as pathogenic or benign to our knowledge

Labcorp Genetics (formerly Invitae), Labcorp
Classification: Likely pathogenic for Familial focal epilepsy with variable foci. Last evaluated: 2022-10-03. Review status: criteria provided, single submitter. Criteria: Invitae Variant Classification Sherloc (09022015). Collection method: clinical testing. Allele origin: germline.
Comment: In summary, the currently available evidence indicates that the variant is pathogenic, but additional data are needed to prove that conclusively. Therefore, this variant has been classified as Likely Pathogenic. Algorithms developed to predict the effect of sequence changes on RNA splicing suggest that this variant may disrupt the consensus splice site. ClinVar contains an entry for this variant (Variation ID: 1188280). This variant has not been reported in the literature in individuals affected with DEPDC5-related conditions. This variant is not present in population databases (gnomAD no frequency). This sequence change affects a donor splice site in intron 6 of the DEPDC5 gene. It is expected to disrupt RNA splicing. Variants that disrupt the donor or acceptor splice site typically lead to a loss of protein function (PMID: 16199547), and loss-of-function variants in DEPDC5 are known to be pathogenic (PMID: 23542697, 23542701).

Literature cited by the submitters: PubMed 16199547 (cited by Labcorp Genetics (formerly Invitae), Labcorp); PubMed 23542697 (cited by Labcorp Genetics (formerly Invitae), Labcorp); PubMed 23542701 (cited by Labcorp Genetics (formerly Invitae), Labcorp).

NM_001242896.3(DEPDC5):c.363+1G>A

Gene: DEPDC5 (DEP domain containing 5, GATOR1 subcomplex subunit; plus strand). Cytogenetic location: 22q12.2.
Variant type: single nucleotide variant.
Coding change: c.363+1G>A on transcript NM_001242896.3 (MANE Select); the canonical splice donor site of the intron after coding-DNA position 363, G replaced by A.
Molecular consequence: splice donor variant. On other transcripts: intron variant (2).
Genome position (GRCh38, 1-based): chr22:31,766,669, G>A. VCF-style: chr22-31766669-G-A. GRCh37 (hg19) VCF-style: chr22-32162655-G-A.
Other names: c.363+1G>A (NM_001364318.2, NM_001136029.4, NM_014662.6 and 7 more transcripts); c.279+1609G>A (NM_001369902.1, NM_001369901.1).
Identifiers: ClinVar variation 1188280 (VCV001188280.11), dbSNP rs2082845191, ClinGen allele CA411282632.